The following is an entry in ClinVar:

ClinVar aggregate classification (germline): Benign/Likely benign. Review status: criteria provided, multiple submitters, no conflicts (2 of 4 stars). 4 submissions from 4 submitters: Benign (2); Likely benign (2). Last evaluated 2026-01-12.

Conditions:
Inflammatory bowel disease 28. Also called: Inflammatory bowel disease 28, early onset, autosomal recessive. Identifiers: Orphanet 238569, MedGen C2751053, MONDO:0013153, OMIM 613148.

Allele frequency attached by ClinVar (database versions not stated): gnomAD exomes 0.00015 and 0.00042; ExAC 0.00050; gnomAD 0.00156; TOPMed 0.00168; 1000 Genomes Project 30x 0.00172; 1000 Genomes Project 0.00200; ESP Exome Variant Server 0.00200.
gnomAD v4.1: 499 of 1,613,454 alleles (0.031%); highest among the groups gnomAD compares: African/African-American, 0.54%; 2 homozygotes.

Submissions (4):

Labcorp Genetics (formerly Invitae), Labcorp
Classification: Benign for Inflammatory bowel disease 28. Last evaluated: 2026-01-12. Review status: criteria provided, single submitter. Criteria: Invitae Variant Classification Sherloc (09022015). Collection method: clinical testing. Allele origin: germline.

Mayo Clinic Laboratories, Mayo Clinic
Classification: Likely benign. Last evaluated: 2025-06-10. Review status: criteria provided, single submitter. Criteria: ACMG Guidelines, 2015. Collection method: clinical testing. Allele origin: germline. Observed: 4 variant alleles.
Comment: BS1, BP4, BP7

Blueprint Genetics
Classification: Likely benign. Last evaluated: 2024-07-08. Review status: criteria provided, single submitter. Criteria: ACMG Guidelines, 2015. Collection method: clinical testing. Allele origin: germline.

Breakthrough Genomics
Classification: Benign. Review status: criteria provided, single submitter. Criteria: ACMG Guidelines, 2015. Collection method: not provided. Allele origin: germline. Inheritance: Autosomal recessive inheritance. Affected: yes.

NM_001558.4(IL10RA):c.1041G>A (p.Thr347=)

Gene: IL10RA (interleukin 10 receptor subunit alpha; plus strand). Cytogenetic location: 11q23.3.
Variant type: single nucleotide variant.
Coding change: c.1041G>A on transcript NM_001558.4 (MANE Select); coding-DNA position 1041, G replaced by A.
Protein change: p.Thr347=; no amino-acid change (threonine 347 retained).
Molecular consequence: synonymous variant. On other transcripts: non-coding transcript variant (1).
Genome position (GRCh38, 1-based): chr11:117,998,945, G>A. VCF-style: chr11-117998945-G-A. GRCh37 (hg19) VCF-style: chr11-117869660-G-A.
Other names: p.Thr347=.
Identifiers: ClinVar variation 538058 (VCV000538058.15), dbSNP rs62636561, ClinGen allele CA6299107.
Genomic context (GRCh38, chr11:117,998,945, plus strand): 5'-CCTGCAGACTGAAGAGCCCCAGTTCCTCCTCCCTGACCCTCACCCCCAGGCTGACAGAAC[G>A]CTGGGAAACAGGGAGCCCCCTGTGCTGGGGGACAGCTGCAGTAGTGGCAGCAGCAATAGC-3'
Protein context (NP_001549.2, residues 337-357): LPDPHPQADR[Thr347=]LGNREPPVLG